The following is an entry in ClinVar:

ClinVar aggregate classification (germline): Uncertain significance. Review status: criteria provided, multiple submitters, no conflicts (2 of 4 stars). 2 submissions from 2 submitters: Uncertain significance (2). Last evaluated 2025-04-11.

gnomAD v4.1: 42 of 1,613,458 alleles (0.0026%); highest among the groups gnomAD compares: Admixed American, 0.0067%; no homozygotes.

Submissions (2):

Ambry Genetics
Classification: Uncertain significance. Last evaluated: 2025-04-11. Review status: criteria provided, single submitter. Criteria: Ambry Variant Classification Scheme 2023. Collection method: clinical testing. Allele origin: germline.

Labcorp Genetics (formerly Invitae), Labcorp
Classification: Uncertain significance. Last evaluated: 2025-03-31. Review status: criteria provided, single submitter. Criteria: Invitae Variant Classification Sherloc (09022015). Collection method: clinical testing. Allele origin: germline.
Comment: This sequence change replaces arginine, which is basic and polar, with cysteine, which is neutral and slightly polar, at codon 240 of the MRPS7 protein (p.Arg240Cys). This variant is present in population databases (rs756743610, gnomAD 0.006%). This variant has not been reported in the literature in individuals affected with MRPS7-related conditions. An algorithm developed to predict the effect of missense changes on protein structure and function (PolyPhen-2) suggests that this variant is likely to be tolerated. In summary, the available evidence is currently insufficient to determine the role of this variant in disease. Therefore, it has been classified as a Variant of Uncertain Significance.

NM_015971.4(MRPS7):c.718C>T (p.Arg240Cys)

Gene: MRPS7 (mitochondrial ribosomal protein S7; plus strand). Cytogenetic location: 17q25.1.
Variant type: single nucleotide variant.
Coding change: c.718C>T on transcript NM_015971.4 (MANE Select); coding-DNA position 718, C replaced by T.
Protein change: p.Arg240Cys; replaces arginine 240 with cysteine.
Molecular consequence: missense variant.
Genome position (GRCh38, 1-based): chr17:75,265,912, C>T. VCF-style: chr17-75265912-C-T. GRCh37 (hg19) VCF-style: chr17-73261993-C-T.
Other names: c.718C>T (NM_015971.3); short protein forms R240C.
Identifiers: ClinVar variation 3605791 (VCV003605791.3).